The following is an entry in ClinVar:

ClinVar aggregate classification (germline): Pathogenic (1 of 4 stars; one submission).

Conditions:
Hermansky-Pudlak syndrome 3 (HPS3). Identifiers: Orphanet 231512, Orphanet 79430, MedGen C3888001, MONDO:0013555, OMIM 614072.

Submission:

Myriad Genetics, Inc.
Classification: Pathogenic for Hermansky-Pudlak syndrome 3. Last evaluated: 2025-12-12. Review status: criteria provided, single submitter. Criteria: Myriad Autosomal Dominant, Autosomal Recessive and X-Linked Classification Criteria (2023). Collection method: clinical testing. Allele origin: unknown.
Comment: NM_032383.3(HPS3):c.995delA(N332Ifs*9) is expected to be pathogenic in the context of Hermansky-Pudlak syndrome, HPS3-related. This variant is predicted to lead to an abnormal or absent protein product due to the creation of a premature termination codon in HPS3, a gene where loss-of-function variants are known to be pathogenic. Please note: this variant was assessed in the context of healthy population screening.

NM_032383.5(HPS3):c.995del (p.Asn332fs)

Gene: HPS3 (HPS3 biogenesis of lysosomal organelles complex 2 subunit 1; plus strand). Cytogenetic location: 3q24.
Variant type: Deletion.
Coding change: c.995del on transcript NM_032383.5 (MANE Select); coding-DNA position 995, one base deleted (A; older notation c.995delA).
Protein change: p.Asn332fs; shifts the reading frame from asparagine 332.
Molecular consequence: frameshift variant.
Genome position (GRCh38, 1-based): chr3:149,145,378, A deleted; the last of 6 consecutive A bases (chr3:149,145,373-149,145,378); deleting any one gives the same sequence. VCF-style (leftmost placement, unchanged base first): chr3-149145372-GA-G. GRCh37 (hg19) VCF-style: chr3-148863159-GA-G.
Other names: c.500del, p.Asn167fs (NM_001308258.2); short protein forms N167fs, N332fs.
Identifiers: ClinVar variation 5015311 (VCV005015311.1).